The following is an entry in ClinVar:

ClinVar aggregate classification (germline): Uncertain significance. Review status: criteria provided, multiple submitters, no conflicts (2 of 4 stars). 3 submissions from 3 submitters: Uncertain significance (3). Last evaluated 2025-12-10.

Allele frequency attached by ClinVar (database versions not stated): gnomAD 0.00005 and 0.00004; TOPMed 0.00004; ExAC 0.00004.
gnomAD v4.1: 64 of 1,613,326 alleles (0.004%); highest among the groups gnomAD compares: Admixed American, 0.017%; no homozygotes.

Submissions (3):

Labcorp Genetics (formerly Invitae), Labcorp
Classification: Uncertain significance. Last evaluated: 2025-12-10. Review status: criteria provided, single submitter. Criteria: Invitae Variant Classification Sherloc (09022015). Collection method: clinical testing. Allele origin: germline.
Comment: This sequence change replaces glycine, which is neutral and non-polar, with arginine, which is basic and polar, at codon 115 of the COL9A3 protein (p.Gly115Arg). This variant is present in population databases (rs751398771, gnomAD 0.01%). This variant has not been reported in the literature in individuals affected with COL9A3-related conditions. ClinVar contains an entry for this variant (Variation ID: 1056709). Experimental studies and prediction algorithms are not available or were not evaluated, and the functional significance of this variant is currently unknown. In summary, the available evidence is currently insufficient to determine the role of this variant in disease. Therefore, it has been classified as a Variant of Uncertain Significance.

Blueprint Genetics
Classification: Uncertain significance. Last evaluated: 2024-10-15. Review status: criteria provided, single submitter. Criteria: ACMG Guidelines, 2015. Collection method: clinical testing. Allele origin: germline.

GeneDx
Classification: Uncertain significance. Last evaluated: 2019-12-02. Review status: criteria provided, single submitter. Criteria: GeneDx Variant Classification Process June 2021. Collection method: clinical testing. Allele origin: germline. Affected: yes.
Comment: Has not been previously published as pathogenic or benign to our knowledge; In silico analysis, which includes protein predictors and evolutionary conservation, supports that this variant does not alter protein structure/function

NM_001853.4(COL9A3):c.343G>C (p.Gly115Arg)

Gene: COL9A3 (collagen type IX alpha 3 chain; plus strand). Cytogenetic location: 20q13.33.
Variant type: single nucleotide variant.
Coding change: c.343G>C on transcript NM_001853.4 (MANE Select); coding-DNA position 343, G replaced by C.
Protein change: p.Gly115Arg; replaces glycine 115 with arginine.
Molecular consequence: missense variant.
Genome position (GRCh38, 1-based): chr20:62,821,214, G>C. VCF-style: chr20-62821214-G-C. GRCh37 (hg19) VCF-style: chr20-61452566-G-C.
Other names: short protein forms G115R.
Identifiers: ClinVar variation 1056709 (VCV001056709.14), dbSNP rs751398771, ClinGen allele CA9949168.
Genomic context (GRCh38, chr20:62,821,214, plus strand): 5'-ACCTAGACGCCTGCTTTCCTCCCACAGGGAAGTCTGGGACCCCCGGGGCCGCCCGGGCTG[G>C]GGGTGAGTATGGAGTGTGGTCCTCTCCTCTCCATGGGAGTTTGGGGAGCTGGAGAGTCTG-3'
Protein context (NP_001844.3, residues 105-125): SLGPPGPPGL[Gly115Arg]GKGLPGPPGE